The following is an entry in ClinVar:

NM_033026.6(PCLO):c.10295A>G (p.Asp3432Gly)

Gene: PCLO (piccolo presynaptic cytomatrix protein; minus strand). Cytogenetic location: 7q21.11.
Variant type: single nucleotide variant.
Coding change: c.10295A>G on transcript NM_033026.6 (MANE Select); coding-DNA position 10295, A replaced by G.
Protein change: p.Asp3432Gly; replaces aspartic acid 3432 with glycine.
Molecular consequence: missense variant.
Genome position (GRCh38, 1-based): chr7:82,950,293, T>C on the plus strand (A>G on the coding strand, the complement: PCLO is on the minus strand). VCF-style: chr7-82950293-T-C. GRCh37 (hg19) VCF-style: chr7-82579609-T-C.
Other names: c.10295A>G, p.Asp3432Gly (NM_014510.3); short protein forms D3432G.
Identifiers: ClinVar variation 1469346 (VCV001469346.6), dbSNP rs2116420374, ClinGen allele CA367904557.

ClinVar aggregate classification (germline): Uncertain significance (1 of 4 stars; one submission).

Allele frequency attached by ClinVar (database versions not stated): gnomAD exomes below 0.00001.
gnomAD v4.1: 1 of 1,613,592 alleles (0.000062%); highest among the groups gnomAD compares: Middle Eastern, 0.016%; no homozygotes.

Submission:

Labcorp Genetics (formerly Invitae), Labcorp
Classification: Uncertain significance. Last evaluated: 2022-02-05. Review status: criteria provided, single submitter. Criteria: Invitae Variant Classification Sherloc (09022015). Collection method: clinical testing. Allele origin: germline.
Comment: In summary, the available evidence is currently insufficient to determine the role of this variant in disease. Therefore, it has been classified as a Variant of Uncertain Significance. Algorithms developed to predict the effect of sequence changes on RNA splicing suggest that this variant may create or strengthen a splice site. Algorithms developed to predict the effect of missense changes on protein structure and function are either unavailable or do not agree on the potential impact of this missense change (SIFT: "Tolerated"; PolyPhen-2: "Not Available"; Align-GVGD: "Class C0"). This variant has not been reported in the literature in individuals affected with PCLO-related conditions. This variant is not present in population databases (gnomAD no frequency). This sequence change replaces aspartic acid, which is acidic and polar, with glycine, which is neutral and non-polar, at codon 3432 of the PCLO protein (p.Asp3432Gly).